The following is an entry in ClinVar:

NM_033225.6(CSMD1):c.901C>G (p.Arg301Gly)

Gene: CSMD1 (CUB and Sushi multiple domains 1; minus strand). Cytogenetic location: 8p23.2.
Variant type: single nucleotide variant.
Coding change: c.901C>G on transcript NM_033225.6 (MANE Select); coding-DNA position 901, C replaced by G.
Protein change: p.Arg301Gly; replaces arginine 301 with glycine.
Molecular consequence: missense variant.
Genome position (GRCh38, 1-based): chr8:3,753,960, G>C on the plus strand (C>G on the coding strand, the complement: CSMD1 is on the minus strand). VCF-style: chr8-3753960-G-C. GRCh37 (hg19) VCF-style: chr8-3611482-G-C.
Other names: short protein forms R301G.
Identifiers: ClinVar variation 3354957 (VCV003354957.1).

ClinVar aggregate classification (germline): Uncertain significance (0 of 4 stars; one submission).

Conditions:
CSMD1-related disorder. Also called: CSMD1-related condition.

gnomAD v4.1: 1 of 1,612,394 alleles (0.000062%); highest among the groups gnomAD compares: South Asian, 0.0011%; no homozygotes.

Submission:

PreventionGenetics, part of Exact Sciences
Classification: Uncertain significance for CSMD1-related condition. Last evaluated: 2024-07-04. Review status: no assertion criteria provided. Collection method: clinical testing. Allele origin: germline.
Comment: The CSMD1 c.901C>G variant is predicted to result in the amino acid substitution p.Arg301Gly. To our knowledge, this variant has not been reported in the literature or in a large population database, indicating this variant is rare. At this time, the clinical significance of this variant is uncertain due to the absence of conclusive functional and genetic evidence.